The following is an entry in ClinVar:

NM_003489.4(NRIP1):c.2113A>C (p.Asn705His)

Gene: NRIP1 (nuclear receptor interacting protein 1; minus strand). Cytogenetic location: 21q11.2.
Variant type: single nucleotide variant.
Coding change: c.2113A>C on transcript NM_003489.4 (MANE Select); coding-DNA position 2113, A replaced by C.
Protein change: p.Asn705His; replaces asparagine 705 with histidine.
Molecular consequence: missense variant.
Genome position (GRCh38, 1-based): chr21:14,966,080, T>G on the plus strand (A>C on the coding strand, the complement: NRIP1 is on the minus strand). VCF-style: chr21-14966080-T-G. GRCh37 (hg19) VCF-style: chr21-16338401-T-G.
Other names: short protein forms N705H.
Identifiers: ClinVar variation 2364771 (VCV002364771.4), dbSNP rs752859441, ClinGen allele CA9981214.

ClinVar aggregate classification (germline): Uncertain significance. Review status: criteria provided, multiple submitters, no conflicts (2 of 4 stars). 2 submissions from 2 submitters: Uncertain significance (2). Last evaluated 2025-11-23.

Conditions:
Inborn genetic diseases. Identifiers: MedGen C0950123, MeSH D030342.

Allele frequency attached by ClinVar (database versions not stated): gnomAD 0.00001; TOPMed 0.00003; ExAC 0.00004; gnomAD exomes 0.00004.
gnomAD v4.1: 22 of 1,612,258 alleles (0.0014%); highest among the groups gnomAD compares: Admixed American, 0.035%; no homozygotes.

Submissions (2):

Labcorp Genetics (formerly Invitae), Labcorp
Classification: Uncertain significance. Last evaluated: 2025-11-23. Review status: criteria provided, single submitter. Criteria: Invitae Variant Classification Sherloc (09022015). Collection method: clinical testing. Allele origin: germline.
Comment: This sequence change replaces asparagine, which is neutral and polar, with histidine, which is basic and polar, at codon 705 of the NRIP1 protein (p.Asn705His). This variant is present in population databases (rs752859441, gnomAD 0.04%). This variant has not been reported in the literature in individuals affected with NRIP1-related conditions. ClinVar contains an entry for this variant (Variation ID: 2364771). An algorithm developed to predict the effect of missense changes on protein structure and function (PolyPhen-2) suggests that this variant is likely to be disruptive. In summary, the available evidence is currently insufficient to determine the role of this variant in disease. Therefore, it has been classified as a Variant of Uncertain Significance.

Ambry Genetics
Classification: Uncertain significance for Inborn genetic diseases. Last evaluated: 2025-04-10. Review status: criteria provided, single submitter. Criteria: Ambry Variant Classification Scheme 2023. Collection method: clinical testing. Allele origin: germline.